The following is an entry in ClinVar:

ClinVar aggregate classification (germline): Uncertain significance (1 of 4 stars; one submission).

Conditions:
Keppen-Lubinsky syndrome (KPLBS). Identifiers: Orphanet 435628, MedGen C3279800, MONDO:0013572, OMIM 614098.

Submission:

Juno Genomics, Hangzhou Juno Genomics, Inc
Classification: Uncertain significance for Keppen-Lubinsky syndrome. Review status: criteria provided, single submitter. Criteria: ACMG Guidelines, 2015. Collection method: clinical testing. Allele origin: germline.
Comment: Absent from controls (or at extremely low frequency if recessive) in Genome Aggregation Database.;Missense variant in a gene that has a low rate of benign missense variation.

NM_002240.5(KCNJ6):c.174G>C (p.Arg58Ser)

Genes: KCNJ6-AS1 (KCNJ6 antisense RNA 1; plus strand), KCNJ6 (potassium inwardly rectifying channel subfamily J member 6; minus strand). Cytogenetic location: 21q22.13.
Variant type: single nucleotide variant.
Coding change: c.174G>C on transcript NM_002240.5 (MANE Select); coding-DNA position 174, G replaced by C.
Protein change: p.Arg58Ser; replaces arginine 58 with serine.
Molecular consequence: missense variant. On other transcripts: non-coding transcript variant (1).
Genome position (GRCh38, 1-based): chr21:37,714,983, C>G on the plus strand (G>C on the coding strand, the complement: KCNJ6 is on the minus strand). VCF-style: chr21-37714983-C-G. GRCh37 (hg19) VCF-style: chr21-39087286-C-G.
Other names: short protein forms R58S.
Identifiers: ClinVar variation 5018633 (VCV005018633.2).